The following is an entry in ClinVar:

NM_001040108.2(MLH3):c.4151T>C (p.Leu1384Pro)

Gene: MLH3 (mutL homolog 3; minus strand). Cytogenetic location: 14q24.3.
Variant type: single nucleotide variant.
Coding change: c.4151T>C on transcript NM_001040108.2 (MANE Select); coding-DNA position 4151, T replaced by C.
Protein change: p.Leu1384Pro; replaces leucine 1384 with proline.
Molecular consequence: missense variant.
Genome position (GRCh38, 1-based): chr14:75,018,920, A>G on the plus strand (T>C on the coding strand, the complement: MLH3 is on the minus strand). VCF-style: chr14-75018920-A-G. GRCh37 (hg19) VCF-style: chr14-75485623-A-G.
Other names: c.4079T>C, p.Leu1360Pro (NM_014381.3); short protein forms L1384P, L1360P.
Identifiers: ClinVar variation 1738269 (VCV001738269.3), dbSNP rs2503044874, ClinGen allele CA390419897.
Genomic context (GRCh38, chr14:75,018,920, plus strand): 5'-GCTAACGGCAGCATAGAAGGTCTCCCGTGAGCACACTGGAATGGCAGCTGGCATGAGGAC[A>G]GAGCTTCAATAAGGCGGCAACTTTCCTGTAAGCTCAGGCCATCATTAAACTTAATGGCCC-3'
Protein context (NP_001035197.1, residues 1374-1394): LQESCRLIEA[Leu1384Pro]SSCQLPFQCA

ClinVar aggregate classification (germline): Uncertain significance (1 of 4 stars; one submission).

Submission:

Ambry Genetics
Classification: Uncertain significance. Last evaluated: 2025-12-16. Review status: criteria provided, single submitter. Criteria: Ambry Variant Classification Scheme 2023. Collection method: clinical testing. Allele origin: germline.
Comment: The p.L1384P variant (also known as c.4151T>C), located in coding exon 11 of the MLH3 gene, results from a T to C substitution at nucleotide position 4151. The leucine at codon 1384 is replaced by proline, an amino acid with similar properties. This amino acid position is conserved. In addition, this alteration is predicted to be deleterious by in silico analysis. Since supporting evidence is limited at this time, the clinical significance of this alteration remains unclear.